The following is an entry in ClinVar:

ClinVar aggregate classification (germline): Uncertain significance (1 of 4 stars; one submission).

gnomAD v4.1: 18 of 1,613,700 alleles (0.0011%); highest among the groups gnomAD compares: Non-Finnish European, 0.0013%; no homozygotes.

Submission:

Labcorp Genetics (formerly Invitae), Labcorp
Classification: Uncertain significance. Last evaluated: 2024-09-27. Review status: criteria provided, single submitter. Criteria: Invitae Variant Classification Sherloc (09022015). Collection method: clinical testing. Allele origin: germline.
Comment: This sequence change replaces arginine, which is basic and polar, with tryptophan, which is neutral and slightly polar, at codon 1040 of the ABL1 protein (p.Arg1040Trp). This variant is present in population databases (rs776649059, gnomAD 0.009%). This variant has not been reported in the literature in individuals affected with ABL1-related conditions. Invitae Evidence Modeling of protein sequence and biophysical properties (such as structural, functional, and spatial information, amino acid conservation, physicochemical variation, residue mobility, and thermodynamic stability) has been performed for this missense variant. However, the output from this modeling did not meet the statistical confidence thresholds required to predict the impact of this variant on ABL1 protein function. In summary, the available evidence is currently insufficient to determine the role of this variant in disease. Therefore, it has been classified as a Variant of Uncertain Significance.

NM_005157.6(ABL1):c.3061C>T (p.Arg1021Trp)

Gene: ABL1 (ABL proto-oncogene 1, non-receptor tyrosine kinase; plus strand). Cytogenetic location: 9q34.12.
Variant type: single nucleotide variant.
Coding change: c.3061C>T on transcript NM_005157.6 (MANE Select); coding-DNA position 3061, C replaced by T.
Protein change: p.Arg1021Trp; replaces arginine 1021 with tryptophan.
Molecular consequence: missense variant.
Genome position (GRCh38, 1-based): chr9:130,885,351, C>T. VCF-style: chr9-130885351-C-T. GRCh37 (hg19) VCF-style: chr9-133760738-C-T.
Other names: c.3118C>T, p.Arg1040Trp (NM_007313.3); short protein forms R1021W, R1040W.
Identifiers: ClinVar variation 3610371 (VCV003610371.2).